The following is an entry in ClinVar:

NM_001364171.2(ODAD1):c.1771C>T (p.Arg591Cys)

Gene: ODAD1 (outer dynein arm docking complex subunit 1; minus strand). Cytogenetic location: 19q13.33.
Variant type: single nucleotide variant.
Coding change: c.1771C>T on transcript NM_001364171.2 (MANE Select); coding-DNA position 1771, C replaced by T.
Protein change: p.Arg591Cys; replaces arginine 591 with cysteine.
Molecular consequence: missense variant.
Genome position (GRCh38, 1-based): chr19:48,297,329, G>A on the plus strand (C>T on the coding strand, the complement: ODAD1 is on the minus strand). VCF-style: chr19-48297329-G-A. GRCh37 (hg19) VCF-style: chr19-48800586-G-A.
Other names: c.1660C>T, p.Arg554Cys (NM_144577.4); short protein forms R554C, R591C.
Identifiers: ClinVar variation 525298 (VCV000525298.5), dbSNP rs369825835, ClinGen allele CA9548569.

ClinVar aggregate classification (germline): Uncertain significance. Review status: criteria provided, multiple submitters, no conflicts (2 of 4 stars). 2 submissions from 2 submitters: Uncertain significance (2). Last evaluated 2025-02-03.

Conditions:
Primary ciliary dyskinesia. Also called: Ciliary dyskinesia. Identifiers: Orphanet 244, MedGen C0008780, MONDO:0016575, HP:0012265.

Allele frequency attached by ClinVar (database versions not stated): ExAC 0.00005; gnomAD 0.00012 and 0.00014; TOPMed 0.00012; ESP Exome Variant Server 0.00015; 1000 Genomes Project 30x 0.00016; 1000 Genomes Project 0.00020.
gnomAD v4.1: 40 of 1,612,940 alleles (0.0025%); highest among the groups gnomAD compares: African/African-American, 0.028%; no homozygotes.

Submissions (2):

Ambry Genetics
Classification: Uncertain significance for Primary ciliary dyskinesia. Last evaluated: 2025-02-03. Review status: criteria provided, single submitter. Criteria: Ambry Variant Classification Scheme 2023. Collection method: clinical testing. Allele origin: germline.

Labcorp Genetics (formerly Invitae), Labcorp
Classification: Uncertain significance for Primary ciliary dyskinesia. Last evaluated: 2022-08-10. Review status: criteria provided, single submitter. Criteria: Invitae Variant Classification Sherloc (09022015). Collection method: clinical testing. Allele origin: germline.
Comment: This sequence change replaces arginine, which is basic and polar, with cysteine, which is neutral and slightly polar, at codon 554 of the CCDC114 protein (p.Arg554Cys). This variant is present in population databases (rs369825835, gnomAD 0.05%). This variant has not been reported in the literature in individuals affected with CCDC114-related conditions. ClinVar contains an entry for this variant (Variation ID: 525298). Algorithms developed to predict the effect of missense changes on protein structure and function are either unavailable or do not agree on the potential impact of this missense change (SIFT: "Deleterious"; PolyPhen-2: "Possibly Damaging"; Align-GVGD: "Class C0"). In summary, the available evidence is currently insufficient to determine the role of this variant in disease. Therefore, it has been classified as a Variant of Uncertain Significance.